The following is an entry in ClinVar:

ClinVar aggregate classification (germline): Uncertain significance. Review status: criteria provided, multiple submitters, no conflicts (2 of 4 stars). 2 submissions from 2 submitters: Uncertain significance (2). Last evaluated 2025-08-13.

Conditions:
Inborn genetic diseases. Identifiers: MedGen C0950123, MeSH D030342.

Allele frequency attached by ClinVar (database versions not stated): gnomAD exomes below 0.00001; ExAC 0.00001; ESP Exome Variant Server 0.00008.
gnomAD v4.1: 3 of 1,591,794 alleles (0.00019%); highest among the groups gnomAD compares: Non-Finnish European, 0.00026%; no homozygotes.

Submissions (2):

Ambry Genetics
Classification: Uncertain significance for Inborn genetic diseases. Last evaluated: 2025-08-13. Review status: criteria provided, single submitter. Criteria: Ambry Variant Classification Scheme 2023. Collection method: clinical testing. Allele origin: germline.

Labcorp Genetics (formerly Invitae), Labcorp
Classification: Uncertain significance. Last evaluated: 2022-02-01. Review status: criteria provided, single submitter. Criteria: Invitae Variant Classification Sherloc (09022015). Collection method: clinical testing. Allele origin: germline.
Comment: This variant is present in population databases (rs372441551, gnomAD 0.0009%). This sequence change replaces threonine, which is neutral and polar, with proline, which is neutral and non-polar, at codon 258 of the HACE1 protein (p.Thr258Pro). This variant has not been reported in the literature in individuals affected with HACE1-related conditions. In summary, the available evidence is currently insufficient to determine the role of this variant in disease. Therefore, it has been classified as a Variant of Uncertain Significance. Algorithms developed to predict the effect of missense changes on protein structure and function are either unavailable or do not agree on the potential impact of this missense change (SIFT: "Deleterious"; PolyPhen-2: "Benign"; Align-GVGD: "Class C35").

NM_020771.4(HACE1):c.772A>C (p.Thr258Pro)

Gene: HACE1 (HECT domain and ankyrin repeat containing E3 ubiquitin protein ligase 1; minus strand). Cytogenetic location: 6q16.3.
Variant type: single nucleotide variant.
Coding change: c.772A>C on transcript NM_020771.4 (MANE Select); coding-DNA position 772, A replaced by C.
Protein change: p.Thr258Pro; replaces threonine 258 with proline.
Molecular consequence: missense variant. On other transcripts: 5 prime UTR variant (1), non-coding transcript variant (7).
Genome position (GRCh38, 1-based): chr6:104,796,699, T>G on the plus strand (A>C on the coding strand, the complement: HACE1 is on the minus strand). VCF-style: chr6-104796699-T-G. GRCh37 (hg19) VCF-style: chr6-105244574-T-G.
Other names: c.640A>C, p.Thr214Pro (NM_001321080.2); c.670A>C, p.Thr224Pro (NM_001321083.2); c.268A>C, p.Thr90Pro (NM_001321084.2, NM_001350557.2, NM_001350558.2); c.538A>C, p.Thr180Pro (NM_001350554.2); c.481A>C, p.Thr161Pro (NM_001350555.2); c.286A>C, p.Thr96Pro (NM_001350556.2); c.190A>C, p.Thr64Pro (NM_001350559.2); c.-12A>C (NM_001350560.2); and 1 more; short protein forms T180P, T64P, T224P, T258P, T90P, T161P, T214P, T96P.
Identifiers: ClinVar variation 2091472 (VCV002091472.5), dbSNP rs372441551, ClinGen allele CA3940436.